The following is an entry in ClinVar:

ClinVar aggregate classification (germline): Conflicting classifications of pathogenicity. Review status: criteria provided, conflicting classifications (1 of 4 stars). 3 submissions from 3 submitters: Uncertain significance (2); Likely benign (1). Last evaluated 2026-07-14.

Conditions:
CHARGE syndrome (CHARGE). Also called: Hittner Hirsch Kreh syndrome; CHARGE ASSOCIATION--COLOBOMA, HEART ANOMALY, CHOANAL ATRESIA, RETARDATION, GENITAL AND EAR ANOMALIES; Coloboma, heart anomaly, choanal atresia, retardation, genital and ear anomalies; CHARGE association; Hall-Hittner syndrome. Identifiers: Orphanet 138, MedGen C0265354, MONDO:0008965.
Inborn genetic diseases. Identifiers: MedGen C0950123, MeSH D030342.

gnomAD v4.1: 15 of 1,612,122 alleles (0.00093%); highest among the groups gnomAD compares: Non-Finnish European, 0.0013%; no homozygotes.

Submissions (3):

Ambry Genetics
Classification: Uncertain significance for Inborn genetic diseases. Last evaluated: 2026-07-14. Review status: criteria provided, single submitter. Criteria: Ambry Variant Classification Scheme 2023. Collection method: clinical testing. Allele origin: germline.
Comment: The c.6114C>A (p.D2038E) alteration is located in exon 31 (coding exon 30) of the CHD7 gene. This alteration results from a C to A substitution at nucleotide position 6114, causing the aspartic acid (D) at amino acid position 2038 to be replaced by a glutamic acid (E). Based on data from gnomAD, the A allele has an overall frequency of <0.001% (1/248986) total alleles studied. The highest observed frequency was 0.001% (1/112922) of European (non-Finnish) alleles. Based on insufficient or conflicting evidence, the clinical significance of this alteration remains unclear.

Labcorp Genetics (formerly Invitae), Labcorp
Classification: Likely benign for CHARGE syndrome. Last evaluated: 2025-06-08. Review status: criteria provided, single submitter. Criteria: Invitae Variant Classification Sherloc (09022015). Collection method: clinical testing. Allele origin: germline.

CeGaT Center for Human Genetics Tuebingen
Classification: Uncertain significance. Last evaluated: 2024-09-01. Review status: criteria provided, single submitter. Criteria: CeGaT Center For Human Genetics Tuebingen Variant Classification Criteria Version 2. Collection method: clinical testing. Allele origin: germline. Affected: yes. Observed: 1 variant allele.

NM_017780.4(CHD7):c.6114C>A (p.Asp2038Glu)

Gene: CHD7 (chromodomain helicase DNA binding protein 7; plus strand). Cytogenetic location: 8q12.2.
Variant type: single nucleotide variant.
Coding change: c.6114C>A on transcript NM_017780.4 (MANE Select); coding-DNA position 6114, C replaced by A.
Protein change: p.Asp2038Glu; replaces aspartic acid 2038 with glutamic acid.
Molecular consequence: missense variant. On other transcripts: intron variant (1).
Genome position (GRCh38, 1-based): chr8:60,852,839, C>A. VCF-style: chr8-60852839-C-A. GRCh37 (hg19) VCF-style: chr8-61765398-C-A.
Other names: c.1717-9390C>A (NM_001316690.1); c.6114C>A (NM_017780.3); short protein forms D2038E.
Identifiers: ClinVar variation 3389491 (VCV003389491.16).
Genomic context (GRCh38, chr8:60,852,839, plus strand): 5'-GAATGCCCTTGAATTCTCCCCAAGTAAATATGAGCCCTTCTGTGTTACAGAACCGCCCGA[C>A]CTCTCCTCCATAATTGAGCCGATCACAGAGGAGCGAGCCTCTCGAACTCTGTACCGCATT-3'
Protein context (NP_060250.2, residues 2028-2048): MPVKPDDEPP[Asp2038Glu]LSSIIEPITE